The following continues an entry in ClinVar:

NM_058216.3(RAD51C):c.224dup (p.Tyr75Ter)

Gene: RAD51C. ClinVar aggregate classification (germline): Pathogenic. Pathogenic (22).

Submissions 10 to 26 of 26:

Color Diagnostics, LLC DBA Color Health
Classification: Pathogenic for Hereditary cancer-predisposing syndrome. Last evaluated: 2024-03-06. Review status: criteria provided, single submitter. Criteria: ACMG Guidelines, 2015. Collection method: clinical testing. Allele origin: germline.
Comment: This variant duplicates 1 nucleotide in exon 2 of the RAD51C gene, creating a frameshift and premature translation stop signal. This variant is expected to result in an absent or non-functional protein product. This variant has been reported in individuals affected with ovarian cancer (PMID: 20400964, 22006311, 24240112, 24993905, 26720728, 27230542, 29053726, 30216591, 32359370) and breast cancer (PMID: 26681312, 26848151, 29522266, 32854451, 33471991, 35658948). This variant has been identified in 3/251456 chromosomes in the general population by the Genome Aggregation Database (gnomAD). Loss of RAD51C function is a known mechanism of disease. Based on the available evidence, this variant is classified as Pathogenic.

Institute of Human Genetics, FAU Erlangen, Friedrich-Alexander-Universität Erlangen-Nürnberg
Classification: Pathogenic. Last evaluated: 2024-02-07. Review status: criteria provided, single submitter. Criteria: Hauer et al. (Genet Med. 2018). Collection method: clinical testing. Allele origin: germline. Inheritance: Unknown mechanism. Affected: yes. Observed: 1 variant allele.
Comment: This variant has been identified by standard clinical testing.

Institute of Immunology and Genetics Kaiserslautern
Classification: Pathogenic for Breast-ovarian cancer, familial, susceptibility to, 3. Last evaluated: 2024-02-02. Review status: criteria provided, single submitter. Criteria: ACMG Guidelines, 2015. Collection method: clinical testing. Allele origin: germline. Affected: yes.
Comment: ACMG Criteria: PVS1, PM2, PP3, PP4, PP5_S; Variant was found in heterozygous state

GeneDx
Classification: Pathogenic. Last evaluated: 2023-12-28. Review status: criteria provided, single submitter. Criteria: GeneDx Variant Classification Process June 2021. Collection method: clinical testing. Allele origin: germline. Affected: yes.
Comment: Nonsense variant predicted to result in protein truncation or nonsense mediated decay in a gene for which loss of function is a known mechanism of disease; Not observed at significant frequency in large population cohorts (gnomAD); Observed in individuals with a personal or family history consistent with pathogenic variants in this gene (PMID: 20400964, 22006311, 26848151, 27230542, 35626031); This variant is associated with the following publications: (PMID: 24800917, 26681312, 26848151, 29922827, 28888541, 27230542, 20400964, 22006311, 30216591, 29625052, 26689913, 32854451, 35626031, 35988656, 36493725, 29053726, 33471991, 36451132)

Institute for Biomarker Research, Medical Diagnostic Laboratories, L.L.C.
Classification: Pathogenic for Hereditary breast ovarian cancer syndrome. Last evaluated: 2023-11-21. Review status: criteria provided, single submitter. Criteria: ACMG Guidelines, 2015. Collection method: clinical testing. Allele origin: germline.

Baylor Genetics
Classification: Pathogenic for Breast-ovarian cancer, familial, susceptibility to, 3. Last evaluated: 2023-11-14. Review status: criteria provided, single submitter. Criteria: ACMG Guidelines, 2015. Collection method: clinical testing. Allele origin: unknown.

Myriad Genetics, Inc.
Classification: Pathogenic for Breast-ovarian cancer, familial, susceptibility to, 3. Last evaluated: 2023-04-05. Review status: criteria provided, single submitter. Criteria: Myriad Autosomal Dominant, Autosomal Recessive and X-Linked Classification Criteria (2023). Collection method: clinical testing. Allele origin: unknown.
Comment: This variant is considered pathogenic. This variant creates a termination codon and is predicted to result in premature protein truncation.

Sema4
Classification: Pathogenic for Hereditary cancer-predisposing syndrome. Last evaluated: 2022-02-16. Review status: criteria provided, single submitter. Criteria: Sema4 Curation Guidelines. Collection method: curation. Allele origin: germline.
Comment: The RAD51C c.224dupA (p.Y75X) variant has been reported in at least 7 individuals with breast cancer, ovarian cancer, acute myeloid leukemia, and bladder carcinoma (PMID 20400964, 22006311, 26681312, 26689913, 26848151, 29625052, 32854451). This nonsense variant creates a premature stop codon at residue 75 of the RAD51C protein. At this location, nonsense-mediated decay is predicted to occur, resulting in a loss of gene function. Loss of function variants in RAD51C are known to be pathogenic (PMID 20400964). This variant was observed in 3/113738 chromosomes in the Non-Finnish European population, according to the Genome Aggregation Database (PMID 32461654). The variant has been reported in ClinVar (Variation ID 182844). Based on the current evidence available, this variant is interpreted as pathogenic.

Institute for Clinical Genetics, University Hospital TU Dresden, University Hospital TU Dresden
Classification: Pathogenic. Last evaluated: 2021-11-03. Review status: criteria provided, single submitter. Criteria: ACMG Guidelines, 2015. Collection method: clinical testing. Allele origin: germline.

Fulgent Genetics
Classification: Pathogenic for Fanconi anemia complementation group O; Breast-ovarian cancer, familial, susceptibility to, 3. Last evaluated: 2021-10-05. Review status: criteria provided, single submitter. Criteria: ACMG Guidelines, 2015. Collection method: clinical testing. Allele origin: unknown.

CeGaT Center for Human Genetics Tuebingen
Classification: Pathogenic. Last evaluated: 2019-12-01. Review status: criteria provided, single submitter. Criteria: CeGaT Center For Human Genetics Tuebingen Variant Classification Criteria Version 2. Collection method: clinical testing. Allele origin: germline. Affected: yes. Observed: 2 variant alleles.

Revvity Omics, Revvity
Classification: Pathogenic for Fanconi anemia complementation group O. Last evaluated: 2019-06-10. Review status: criteria provided, single submitter. Criteria: ACMG Guidelines, 2015. Collection method: clinical testing. Allele origin: germline.

Women's Health and Genetics/Laboratory Corporation of America, LabCorp
Classification: Pathogenic for Hereditary breast and ovarian cancer syndrome. Last evaluated: 2018-04-09. Review status: criteria provided, single submitter. Criteria: LabCorp Variant Classification Summary - May 2015. Collection method: clinical testing. Allele origin: germline.
Comment: Variant summary: RAD51C c.224dupA (p.Tyr75X) results in a premature termination codon, predicted to cause a truncation of the encoded protein or absence of the protein due to nonsense mediated decay, which are commonly known mechanisms for disease. Truncations downstream of this position have been classified as pathogenic by our laboratory (e.g., p.Gln133X and p.Arg193X). The variant was absent in 246238 control chromosomes. c.224dupA has been reported in the literature in multiple individuals affected with Hereditary Breast and Ovarian Cancer. These data indicate that the variant is likely to be associated with disease. To our knowledge, no experimental evidence demonstrating an impact on protein function has been reported. Five clinical diagnostic laboratories have submitted clinical-significance assessments for this variant to ClinVar after 2014 and all classified the variant as pathogenic. Based on the evidence outlined above, the variant was classified as pathogenic.

Leiden Open Variation Database
Classification: Pathogenic. Last evaluated: 2020-02-28. Review status: no assertion criteria provided. Collection method: curation. Allele origin: germline. Affected: yes. Not counted in ClinVar's aggregate classification.
Comment: Curator: Arleen D. Auerbach. Submitters to LOVD: Christine Rappaport, Johan den Dunnen.

German Consortium for Hereditary Breast and Ovarian Cancer, University Hospital Cologne
Classification: Pathogenic for Ovarian neoplasm. Last evaluated: 2018-12-01. Review status: no assertion criteria provided. Collection method: research. Allele origin: germline. Affected: yes. Not counted in ClinVar's aggregate classification.

Counsyl
Classification: Pathogenic for Fanconi anemia complementation group O. Last evaluated: 2016-11-14. Review status: no assertion criteria provided. Collection method: clinical testing. Allele origin: unknown. Not counted in ClinVar's aggregate classification.

Counsyl
Classification: Pathogenic for Breast-ovarian cancer, familial, susceptibility to, 3. Last evaluated: 2016-11-14. Review status: no assertion criteria provided. Collection method: clinical testing. Allele origin: unknown. Not counted in ClinVar's aggregate classification.

Literature cited by the submitters: PubMed 20400964 (cited by 7 submitters); PubMed 21990120 (cited by Labcorp Genetics (formerly Invitae), Labcorp and Institute for Genomic Medicine (IGM) Clinical Laboratory, Nationwide Children's Hospital); PubMed 24800917 (cited by Labcorp Genetics (formerly Invitae), Labcorp); PubMed 29278735 (cited by Labcorp Genetics (formerly Invitae), Labcorp); PubMed 22006311 (cited by 6 submitters); PubMed 26681312 (cited by 7 submitters); PubMed 26848151 (cited by 6 submitters); PubMed 35658948 (cited by Institute for Genomic Medicine (IGM) Clinical Laboratory, Nationwide Children's Hospital and Color Diagnostics, LLC DBA Color Health); PubMed 32854451 (cited by 4 submitters); PubMed 32359370 (cited by 3 submitters); PubMed 26720728 (cited by 3 submitters); PubMed 24993905 (cited by Institute for Genomic Medicine (IGM) Clinical Laboratory, Nationwide Children's Hospital and Color Diagnostics, LLC DBA Color Health); PubMed 24240112 (cited by Institute for Genomic Medicine (IGM) Clinical Laboratory, Nationwide Children's Hospital and Color Diagnostics, LLC DBA Color Health); PubMed 26689913 (cited by Ambry Genetics and Sema4); PubMed 27230542 (cited by 3 submitters); PubMed 29053726 (cited by Ambry Genetics and Color Diagnostics, LLC DBA Color Health); PubMed 29522266 (cited by Ambry Genetics and Color Diagnostics, LLC DBA Color Health); PubMed 29922827 (cited by Ambry Genetics); PubMed 30216591 (cited by Ambry Genetics and Color Diagnostics, LLC DBA Color Health); PubMed 33471991 (cited by 3 submitters); PubMed 29625052 (cited by Sema4).